The following is an entry in ClinVar:

NM_001048174.2(MUTYH):c.295G>A (p.Ala99Thr)

Gene: MUTYH (mutY DNA glycosylase; minus strand). Cytogenetic location: 1p34.1.
Variant type: single nucleotide variant.
Coding change: c.295G>A on transcript NM_001048174.2 (MANE Select); coding-DNA position 295, G replaced by A.
Protein change: p.Ala99Thr; replaces alanine 99 with threonine.
Molecular consequence: missense variant. On other transcripts: synonymous variant (2), non-coding transcript variant (2).
Genome position (GRCh38, 1-based): chr1:45,333,294, C>T on the plus strand (G>A on the coding strand, the complement: MUTYH is on the minus strand). VCF-style: chr1-45333294-C-T. GRCh37 (hg19) VCF-style: chr1-45798966-C-T.
Other names: c.295G>A, p.Ala99Thr (NM_001048171.2, NM_001048173.2, NM_001293195.2); c.298G>A, p.Ala100Thr (NM_001048172.2); c.379G>A, p.Ala127Thr (NM_001128425.2); c.340G>A, p.Ala114Thr (NM_001293190.2); c.328G>A, p.Ala110Thr (NM_001293191.2); c.19G>A, p.Ala7Thr (NM_001293192.2, NM_001293196.2); c.24G>A, p.Gly8= (NM_001350650.2, NM_001350651.2); c.370G>A, p.Ala124Thr (NM_012222.3); short protein forms A127T, A100T, A110T, A114T, A124T, A7T, A99T.
Identifiers: ClinVar variation 230457 (VCV000230457.26), dbSNP rs746112825, ClinGen allele CA057571.

ClinVar aggregate classification (germline): Uncertain significance. Review status: criteria provided, multiple submitters, no conflicts (2 of 4 stars). 9 submissions from 9 submitters: Uncertain significance (9). Last evaluated 2025-12-13.

Conditions:
MUTYH-related disorder. Also called: MUTYH-related disorders; MUTYH-related condition.
Hereditary cancer-predisposing syndrome. Also called: Neoplastic Syndromes, Hereditary; Tumor predisposition; Hereditary Cancer Syndrome; Hereditary neoplastic syndrome. Identifiers: Orphanet 140162, MedGen C0027672, MeSH D009386, MONDO:0015356.
Familial adenomatous polyposis 2. Also called: FAP type 2; MYH-associated polyposis; Adenomas, multiple colorectal; MUTYH-associated polyposis; MUTYH Polyposis; MUTYH-related attenuated familial adenomatous polyposis. Identifiers: Orphanet 220460, Orphanet 247798, MedGen C3272841, MONDO:0012041, OMIM 608456.

Allele frequency attached by ClinVar (database versions not stated): gnomAD exomes below 0.00001 and 0.00002; TOPMed below 0.00001; ExAC 0.00001.
gnomAD v4.1: 33 of 1,614,204 alleles (0.002%); highest among the groups gnomAD compares: Non-Finnish European, 0.0025%; no homozygotes.

Submissions (9):

Labcorp Genetics (formerly Invitae), Labcorp
Classification: Uncertain significance for Familial adenomatous polyposis 2. Last evaluated: 2025-12-13. Review status: criteria provided, single submitter. Criteria: Invitae Variant Classification Sherloc (09022015). Collection method: clinical testing. Allele origin: germline.
Comment: This sequence change replaces alanine, which is neutral and non-polar, with threonine, which is neutral and polar, at codon 127 of the MUTYH protein (p.Ala127Thr). This variant is present in population databases (rs746112825, gnomAD 0.0009%). This variant has not been reported in the literature in individuals affected with MUTYH-related conditions. ClinVar contains an entry for this variant (Variation ID: 230457). An algorithm developed to predict the effect of missense changes on protein structure and function (PolyPhen-2) suggests that this variant is likely to be disruptive. In summary, the available evidence is currently insufficient to determine the role of this variant in disease. Therefore, it has been classified as a Variant of Uncertain Significance.

Quest Diagnostics Nichols Institute San Juan Capistrano
Classification: Uncertain significance. Last evaluated: 2025-06-19. Review status: criteria provided, single submitter. Criteria: Quest Diagnostics criteria. Collection method: clinical testing. Allele origin: unknown.
Comment: The MUTYH c.379G>A (p.Ala127Thr) variant has not been reported in individuals with MUTYH-related conditions in the published literature. The frequency of this variant in the general population (Genome Aggregation Database) is uninformative in the assessment of its pathogenicity. Analysis of this variant using bioinformatics tools for the prediction of the effect of amino acid changes on protein structure and function yielded conflicting predictions that this variant is benign or damaging. Based on the available information, we are unable to determine the clinical significance of this variant.

Center for Genomic Medicine, Rigshospitalet, Copenhagen University Hospital
Classification: Uncertain significance. Last evaluated: 2025-03-04. Review status: criteria provided, single submitter. Criteria: ACMG Guidelines, 2015. Collection method: clinical testing. Allele origin: germline.

Ambry Genetics
Classification: Uncertain significance for Hereditary cancer-predisposing syndrome. Last evaluated: 2024-11-13. Review status: criteria provided, single submitter. Criteria: Ambry Variant Classification Scheme 2023. Collection method: clinical testing. Allele origin: germline.
Comment: The p.A127T variant (also known as c.379G>A), located in coding exon 4 of the MUTYH gene, results from a G to A substitution at nucleotide position 379. The alanine at codon 127 is replaced by threonine, an amino acid with similar properties. This variant has been detected in conjunction with a MUTYH pathogenic variant in at least two individuals with clinical features of MUTYH-associated disease; however, the phase of the two variants is unknown (Ambry internal data; personal communication). This amino acid position is well conserved in available vertebrate species. In addition, the in silico prediction for this alteration is inconclusive. Based on the available evidence, the clinical significance of this variant remains unclear.

PreventionGenetics, part of Exact Sciences
Classification: Uncertain significance for MUTYH-related condition. Last evaluated: 2024-11-09. Review status: criteria provided, single submitter. Criteria: ACMG Guidelines, 2015. Collection method: clinical testing. Allele origin: germline.
Comment: The MUTYH c.379G>A variant is predicted to result in the amino acid substitution p.Ala127Thr. To our knowledge, this variant has not been reported in the literature. This variant is reported in 0.00088% of alleles in individuals of European (Non-Finnish) descent in gnomAD and is interpreted as uncertain in ClinVar. At this time, the clinical significance of this variant is uncertain due to the absence of conclusive functional and genetic evidence.

Baylor Genetics
Classification: Uncertain significance for Familial adenomatous polyposis 2. Last evaluated: 2024-03-08. Review status: criteria provided, single submitter. Criteria: ACMG Guidelines, 2015. Collection method: clinical testing. Allele origin: unknown.

All of Us Research Program, National Institutes of Health
Classification: Uncertain significance for Familial adenomatous polyposis 2. Last evaluated: 2023-07-10. Review status: criteria provided, single submitter. Criteria: ACMG Guidelines, 2015. Collection method: clinical testing. Allele origin: germline. Inheritance: Autosomal recessive inheritance. Observed: 1 variant allele, 1 heterozygote.
Comment: This missense variant replaces alanine with threonine at codon 127 of the MUTYH protein. Computational prediction is inconclusive regarding the impact of this variant on protein structure and function (internally defined REVEL score threshold 0.5 < inconclusive < 0.7, PMID: 27666373). To our knowledge, functional studies have not been reported for this variant. This variant has not been reported in individuals affected with MUTYH-related disorders in the literature. This variant has been identified in 1/251332 chromosomes in the general population by the Genome Aggregation Database (gnomAD). The available evidence is insufficient to determine the role of this variant in disease conclusively. Therefore, this variant is classified as a Variant of Uncertain Significance.

This study involves interpretation of variants in research participants for the purpose of population health screening. Participant phenotype was not available at the time of variant classification. Additional details can be found in publication PMID: 35346344, PMCID: PMC8962531

Color Diagnostics, LLC DBA Color Health
Classification: Uncertain significance for Hereditary cancer-predisposing syndrome. Last evaluated: 2023-06-13. Review status: criteria provided, single submitter. Criteria: ACMG Guidelines, 2015. Collection method: clinical testing. Allele origin: germline.
Comment: This missense variant replaces alanine with threonine at codon 127 of the MUTYH protein. Computational prediction is inconclusive regarding the impact of this variant on protein structure and function (internally defined REVEL score threshold 0.5 < inconclusive < 0.7, PMID: 27666373). To our knowledge, functional studies have not been reported for this variant. This variant has not been reported in individuals affected with MUTYH-related disorders in the literature. This variant has been identified in 1/251332 chromosomes in the general population by the Genome Aggregation Database (gnomAD). The available evidence is insufficient to determine the role of this variant in disease conclusively. Therefore, this variant is classified as a Variant of Uncertain Significance.

GeneDx
Classification: Uncertain significance. Last evaluated: 2019-08-20. Review status: criteria provided, single submitter. Criteria: GeneDx Variant Classification Process June 2021. Collection method: clinical testing. Allele origin: germline. Affected: yes.
Comment: Not observed at a significant frequency in large population cohorts (Lek 2016); In silico analysis supports that this missense variant has a deleterious effect on protein structure/function; Has not been previously published as pathogenic or benign to our knowledge